The following is an entry in ClinVar:

ClinVar aggregate classification (germline): Uncertain significance. Review status: criteria provided, multiple submitters, no conflicts (2 of 4 stars). 2 submissions from 2 submitters: Uncertain significance (2). Last evaluated 2025-06-06.

Conditions:
Hereditary cancer-predisposing syndrome. Also called: Neoplastic Syndromes, Hereditary; Tumor predisposition; Hereditary Cancer Syndrome; Hereditary neoplastic syndrome. Identifiers: Orphanet 140162, MedGen C0027672, MeSH D009386, MONDO:0015356.

gnomAD v4.1: 4 of 1,609,504 alleles (0.00025%); highest among the groups gnomAD compares: South Asian, 0.0033%; no homozygotes.

Submissions (2):

Ambry Genetics
Classification: Uncertain significance for Hereditary cancer-predisposing syndrome. Last evaluated: 2025-06-06. Review status: criteria provided, single submitter. Criteria: Ambry Variant Classification Scheme 2023. Collection method: clinical testing. Allele origin: germline.
Comment: The p.D140E variant (also known as c.420C>G), located in coding exon 5 of the POLE gene, results from a C to G substitution at nucleotide position 420. The aspartic acid at codon 140 is replaced by glutamic acid, an amino acid with highly similar properties. This amino acid position is highly conserved in available vertebrate species. In addition, this alteration is predicted to be tolerated by in silico analysis. Based on the available evidence, the clinical significance of this variant remains unclear.

CeGaT Center for Human Genetics Tuebingen
Classification: Uncertain significance. Last evaluated: 2025-02-01. Review status: criteria provided, single submitter. Criteria: CeGaT Center For Human Genetics Tuebingen Variant Classification Criteria Version 2. Collection method: clinical testing. Allele origin: germline. Affected: yes. Observed: 1 variant allele.
Comment: POLE: PM2

NM_006231.4(POLE):c.420C>G (p.Asp140Glu)

Gene: POLE (DNA polymerase epsilon, catalytic subunit; minus strand). Cytogenetic location: 12q24.33.
Variant type: single nucleotide variant.
Coding change: c.420C>G on transcript NM_006231.4 (MANE Select); coding-DNA position 420, C replaced by G.
Protein change: p.Asp140Glu; replaces aspartic acid 140 with glutamic acid.
Molecular consequence: missense variant.
Genome position (GRCh38, 1-based): chr12:132,679,957, G>C on the plus strand (C>G on the coding strand, the complement: POLE is on the minus strand). VCF-style: chr12-132679957-G-C. GRCh37 (hg19) VCF-style: chr12-133256543-G-C.
Other names: c.420C>G (NM_006231.2); short protein forms D140E.
Identifiers: ClinVar variation 3778287 (VCV003778287.8).
Genomic context (GRCh38, chr12:132,679,957, plus strand): 5'-CAGGAACAATGTAGACTCTGGCCTCATTTACCCCTGGAAAGTCTGGGTGATACTCACCAA[G>C]TCCAGATCCTCTTTGGGGACAGTCTCCACTTTTGCAATTTTGCCCTGAAACTTCTTGGAG-3'
Protein context (NP_006222.2, residues 130-150): KVETVPKEDL[Asp140Glu]LPNHLVGLKR